The following is an entry in ClinVar:

ClinVar aggregate classification (germline): Uncertain significance (1 of 4 stars; one submission).

gnomAD v4.1: 1 of 1,614,098 alleles (0.000062%); highest among the groups gnomAD compares: Non-Finnish European, 0.000085%; no homozygotes.

Submission:

Ambry Genetics
Classification: Uncertain significance. Last evaluated: 2025-06-14. Review status: criteria provided, single submitter. Criteria: Ambry Variant Classification Scheme 2023. Collection method: clinical testing. Allele origin: germline.
Comment: The p.E113K variant (also known as c.337G>A), located in coding exon 3 of the KIF1B gene, results from a G to A substitution at nucleotide position 337. The glutamic acid at codon 113 is replaced by lysine, an amino acid with similar properties. This amino acid position is conserved. In addition, this alteration is predicted to be tolerated by in silico analysis. Based on the available evidence, the clinical significance of this variant remains unclear.

NM_001365951.3(KIF1B):c.337G>A (p.Glu113Lys)

Gene: KIF1B (kinesin family member 1B; plus strand). Cytogenetic location: 1p36.22.
Variant type: single nucleotide variant.
Coding change: c.337G>A on transcript NM_001365951.3 (MANE Select); coding-DNA position 337, G replaced by A.
Protein change: p.Glu113Lys; replaces glutamic acid 113 with lysine.
Molecular consequence: missense variant.
Genome position (GRCh38, 1-based): chr1:10,258,646, G>A. VCF-style: chr1-10258646-G-A. GRCh37 (hg19) VCF-style: chr1-10318704-G-A.
Other names: c.337G>A, p.Glu113Lys (NM_001365952.1, NM_001365953.1, NM_015074.3 and 1 more transcripts); short protein forms E113K.
Identifiers: ClinVar variation 4043175 (VCV004043175.1).